The following is an entry in ClinVar:

NM_000179.3(MSH6):c.19C>G (p.Leu7Val)

Gene: MSH6 (mutS homolog 6; plus strand). Cytogenetic location: 2p16.3.
Variant type: single nucleotide variant.
Coding change: c.19C>G on transcript NM_000179.3 (MANE Select); coding-DNA position 19, C replaced by G.
Protein change: p.Leu7Val; replaces leucine 7 with valine.
Molecular consequence: missense variant. On other transcripts: 5 prime UTR variant (1).
Genome position (GRCh38, 1-based): chr2:47,783,252, C>G. VCF-style: chr2-47783252-C-G. GRCh37 (hg19) VCF-style: chr2-48010391-C-G.
Other names: c.19C>G, p.Leu7Val (NM_001281492.2); c.-718C>G (NM_001281493.2); short protein forms L7V.
Identifiers: ClinVar variation 455170 (VCV000455170.13), dbSNP rs1064795094, ClinGen allele CA346734493.

ClinVar aggregate classification (germline): Uncertain significance. Review status: criteria provided, multiple submitters, no conflicts (2 of 4 stars). 5 submissions from 5 submitters: Uncertain significance (5). Last evaluated 2025-04-10.

Conditions:
Hereditary nonpolyposis colorectal neoplasms. Identifiers: MedGen C0009405, MeSH D003123.
Hereditary cancer-predisposing syndrome. Also called: Hereditary Cancer Syndrome; Hereditary neoplastic syndrome; Neoplastic Syndromes, Hereditary; Tumor predisposition. Identifiers: Orphanet 140162, MedGen C0027672, MeSH D009386, MONDO:0015356.
Lynch syndrome. Identifiers: Orphanet 144, MedGen C4552100, MONDO:0005835. Disease mechanism: loss of function.

gnomAD v4.1: 1 of 1,611,986 alleles (0.000062%); highest among the groups gnomAD compares: Non-Finnish European, 0.000085%; no homozygotes.

Submissions (5):

Labcorp Genetics (formerly Invitae), Labcorp
Classification: Uncertain significance for Hereditary nonpolyposis colorectal neoplasms. Last evaluated: 2025-04-10. Review status: criteria provided, single submitter. Criteria: Invitae Variant Classification Sherloc (09022015). Collection method: clinical testing. Allele origin: germline.
Comment: This sequence change replaces leucine, which is neutral and non-polar, with valine, which is neutral and non-polar, at codon 7 of the MSH6 protein (p.Leu7Val). This variant is not present in population databases (gnomAD no frequency). This variant has not been reported in the literature in individuals affected with MSH6-related conditions. ClinVar contains an entry for this variant (Variation ID: 455170). Invitae Evidence Modeling of protein sequence and biophysical properties (such as structural, functional, and spatial information, amino acid conservation, physicochemical variation, residue mobility, and thermodynamic stability) indicates that this missense variant is not expected to disrupt MSH6 protein function with a negative predictive value of 95%. In summary, the available evidence is currently insufficient to determine the role of this variant in disease. Therefore, it has been classified as a Variant of Uncertain Significance.

Ambry Genetics
Classification: Uncertain significance for Hereditary cancer-predisposing syndrome. Last evaluated: 2024-10-04. Review status: criteria provided, single submitter. Criteria: Ambry Variant Classification Scheme 2023. Collection method: clinical testing. Allele origin: germline.
Comment: The p.L7V variant (also known as c.19C>G), located in coding exon 1 of the MSH6 gene, results from a C to G substitution at nucleotide position 19. The leucine at codon 7 is replaced by valine, an amino acid with highly similar properties. This amino acid position is highly conserved in available vertebrate species. In addition, the in silico prediction for this alteration is inconclusive. Based on the available evidence, the clinical significance of this variant remains unclear.

All of Us Research Program, National Institutes of Health
Classification: Uncertain significance for Lynch syndrome. Last evaluated: 2023-04-03. Review status: criteria provided, single submitter. Criteria: ACMG Guidelines, 2015. Collection method: clinical testing. Allele origin: germline. Inheritance: Autosomal dominant inheritance. Observed: 1 variant allele, 1 heterozygote.
Comment: This missense variant replaces leucine with valine at codon 7 of the MSH6 protein. Computational prediction suggests that this variant may not impact protein structure and function (internally defined REVEL score threshold <= 0.5, PMID: 27666373). To our knowledge, functional studies have not been reported for this variant. This variant has not been reported in individuals affected with MSH6-related disorders in the literature. This variant has not been identified in the general population by the Genome Aggregation Database (gnomAD). The available evidence is insufficient to determine the role of this variant in disease conclusively. Therefore, this variant is classified as a Variant of Uncertain Significance.

This study involves interpretation of variants in research participants for the purpose of population health screening. Participant phenotype was not available at the time of variant classification. Additional details can be found in publication PMID: 35346344, PMCID: PMC8962531

Women's Health and Genetics/Laboratory Corporation of America, LabCorp
Classification: Uncertain significance. Last evaluated: 2022-03-18. Review status: criteria provided, single submitter. Criteria: LabCorp Variant Classification Summary - May 2015. Collection method: clinical testing. Allele origin: germline.

PreventionGenetics, part of Exact Sciences
Classification: Uncertain significance. Last evaluated: 2017-06-08. Review status: criteria provided, single submitter. Criteria: ACMG Guidelines, 2015. Collection method: clinical testing. Allele origin: germline.